The following is an entry in ClinVar:

ClinVar aggregate classification (germline): Pathogenic. Review status: criteria provided, multiple submitters, no conflicts (2 of 4 stars). 2 submissions from 2 submitters: Pathogenic (2). Last evaluated 2021-10-29.

Conditions:
Developmental and epileptic encephalopathy 6B. Also called: Developmental and epileptic encephalopathy 6B, non-Dravet. Identifiers: MedGen C5543353, MONDO:0030268, OMIM 619317.
Severe myoclonic epilepsy in infancy (DRVT). Also called: Epileptic encephalopathy, early infantile, 6 (Dravet syndrome); Dravet syndrome; SEVERE MYOCLONIC EPILEPSY OF INFANCY; DEVELOPMENTAL AND EPILEPTIC ENCEPHALOPATHY 6A; Severe Myoclonic Epilepsy in Infancy (SMEI). Identifiers: Orphanet 33069, MedGen C0751122, MONDO:0100135, OMIM 607208.
Migraine, familial hemiplegic, 3. Identifiers: Orphanet 569, MedGen C1864987, MONDO:0012320, OMIM 609634.
Generalized epilepsy with febrile seizures plus, type 2 (GEFSP2). Also called: GEFS+, TYPE 2. Identifiers: Orphanet 36387, MedGen C1858673, MONDO:0011461, OMIM 604403.

Submissions (2):

Fulgent Genetics
Classification: Pathogenic for Generalized epilepsy with febrile seizures plus, type 2; Severe myoclonic epilepsy in infancy; Migraine, familial hemiplegic, 3; Developmental and epileptic encephalopathy 6B. Last evaluated: 2021-10-29. Review status: criteria provided, single submitter. Criteria: ACMG Guidelines, 2015. Collection method: clinical testing. Allele origin: unknown.

GeneDx
Classification: Pathogenic. Last evaluated: 2014-08-26. Review status: criteria provided, single submitter. Criteria: GeneDx Variant Classification (06012015). Collection method: clinical testing. Allele origin: germline. Affected: yes.
Comment: c.141delT: p.Asn47LysfsX45 (N47KfsX45) in exon 1 of the SCN1A gene (NM_001165963.1). The normal sequence with the base that is deleted in braces is GAAAA{T}GGCC. The c.141delT mutation in the SCN1A gene causes a frameshift starting with codon Asparagine 47, changes this amino acid to a Lysine residue and creates a premature Stop codon at position 45 of the new reading frame, denoted p.Asn47LysfsX45. This mutation is predicted to cause loss of normal protein function either through protein truncation or nonsense-mediated mRNA decay. Although this mutation has not been previously reported to our knowledge, its presence is consistent with a diagnosis of SCN1A-related disorder. The variant is found in INFANT-EPI panel(s).

NM_001165963.4(SCN1A):c.141del (p.Asn47fs)

Gene: SCN1A (sodium voltage-gated channel alpha subunit 1; minus strand). Cytogenetic location: 2q24.3.
Variant type: Deletion.
Coding change: c.141del on transcript NM_001165963.4 (MANE Select); coding-DNA position 141, one base deleted (T; older notation c.141delT).
Protein change: p.Asn47fs; shifts the reading frame from asparagine 47.
Molecular consequence: frameshift variant. On other transcripts: 5 prime UTR variant (1), non-coding transcript variant (1).
Genome position (GRCh38, 1-based): chr2:166,073,481, A deleted on the plus strand (T on the coding strand, the reverse complement: SCN1A is on the minus strand). VCF-style (leftmost placement, unchanged base first): chr2-166073480-CA-C. GRCh37 (hg19) VCF-style: chr2-166929990-CA-C.
Other names: c.141del, p.Asn47fs (NM_001165964.3, NM_001202435.3, NM_001353948.2 and 10 more transcripts); c.-2285del (NM_001353961.2); short protein forms N47fs.
Identifiers: ClinVar variation 206914 (VCV000206914.2), dbSNP rs796053076, ClinGen allele CA317732.